The following is an entry in ClinVar:

NM_001113378.2(FANCI):c.3498G>C (p.Leu1166Phe)

Gene: FANCI (FA complementation group I; plus strand). Cytogenetic location: 15q26.1.
Variant type: single nucleotide variant.
Coding change: c.3498G>C on transcript NM_001113378.2 (MANE Select); coding-DNA position 3498, G replaced by C.
Protein change: p.Leu1166Phe; replaces leucine 1166 with phenylalanine.
Molecular consequence: missense variant.
Genome position (GRCh38, 1-based): chr15:89,306,155, G>C. VCF-style: chr15-89306155-G-C. GRCh37 (hg19) VCF-style: chr15-89849386-G-C.
Other names: c.3219G>C, p.Leu1073Phe (NM_001376910.1); c.3498G>C, p.Leu1166Phe (NM_001376911.1); c.3318G>C, p.Leu1106Phe (NM_018193.3); short protein forms L1166F, L1073F, L1106F.
Identifiers: ClinVar variation 2896838 (VCV002896838.3), dbSNP rs1323941744, ClinGen allele CA393740648.

ClinVar aggregate classification (germline): Uncertain significance (1 of 4 stars; one submission).

Conditions:
Fanconi anemia (FA). Also called: Fanconi's anemia. Identifiers: Orphanet 84, MedGen C0015625, MeSH D005199, MONDO:0019391.

gnomAD v4.1: 7 of 1,614,166 alleles (0.00043%); highest among the groups gnomAD compares: Non-Finnish European, 0.00059%; no homozygotes.

Submission:

Labcorp Genetics (formerly Invitae), Labcorp
Classification: Uncertain significance for Fanconi anemia. Last evaluated: 2023-08-27. Review status: criteria provided, single submitter. Criteria: Invitae Variant Classification Sherloc (09022015). Collection method: clinical testing. Allele origin: germline.
Comment: In summary, the available evidence is currently insufficient to determine the role of this variant in disease. Therefore, it has been classified as a Variant of Uncertain Significance. This sequence change replaces leucine, which is neutral and non-polar, with phenylalanine, which is neutral and non-polar, at codon 1166 of the FANCI protein (p.Leu1166Phe). An algorithm developed to predict the effect of missense changes on protein structure and function (PolyPhen-2) suggests that this variant is likely to be disruptive. This variant has not been reported in the literature in individuals affected with FANCI-related conditions. This variant is not present in population databases (gnomAD no frequency).